The following is an entry in ClinVar:

ClinVar aggregate classification (germline): Uncertain significance (1 of 4 stars; one submission).

Submission:

GeneDx
Classification: Uncertain significance. Last evaluated: 2024-10-30. Review status: criteria provided, single submitter. Criteria: GeneDx Variant Classification Process June 2021. Collection method: clinical testing. Allele origin: germline. Affected: yes.
Comment: In silico analysis supports that this missense variant has a deleterious effect on protein structure/function; Has not been previously published as pathogenic or benign to our knowledge

NM_058004.4(PI4KA):c.3473G>A (p.Arg1158Gln)

Gene: PI4KA (phosphatidylinositol 4-kinase alpha; minus strand). Cytogenetic location: 22q11.21.
Variant type: single nucleotide variant.
Coding change: c.3473G>A on transcript NM_058004.4 (MANE Select); coding-DNA position 3473, G replaced by A.
Protein change: p.Arg1158Gln; replaces arginine 1158 with glutamine.
Molecular consequence: missense variant.
Genome position (GRCh38, 1-based): chr22:20,742,748, C>T on the plus strand (G>A on the coding strand, the complement: PI4KA is on the minus strand). VCF-style: chr22-20742748-C-T. GRCh37 (hg19) VCF-style: chr22-21097036-C-T.
Other names: c.3380G>A, p.Arg1127Gln (NM_001362862.2); c.3407G>A, p.Arg1136Gln (NM_001362863.2); short protein forms R1127Q, R1136Q, R1158Q.
Identifiers: ClinVar variation 3897232 (VCV003897232.1).